The following is an entry in ClinVar:

NM_001042492.3(NF1):c.3853A>C (p.Met1285Leu)

Gene: NF1 (neurofibromin 1; plus strand). Cytogenetic location: 17q11.2.
Variant type: single nucleotide variant.
Coding change: c.3853A>C on transcript NM_001042492.3 (MANE Select); coding-DNA position 3853, A replaced by C.
Protein change: p.Met1285Leu; replaces methionine 1285 with leucine.
Molecular consequence: missense variant.
Genome position (GRCh38, 1-based): chr17:31,235,755, A>C. VCF-style: chr17-31235755-A-C. GRCh37 (hg19) VCF-style: chr17-29562773-A-C.
Other names: c.3853A>C, p.Met1285Leu (NM_000267.4); short protein forms M1285L.
Identifiers: ClinVar variation 1479979 (VCV001479979.10), dbSNP rs2151438030, ClinGen allele CA398992862.

ClinVar aggregate classification (germline): Uncertain significance. Review status: criteria provided, multiple submitters, no conflicts (2 of 4 stars). 2 submissions from 2 submitters: Uncertain significance (2). Last evaluated 2022-06-13.

Conditions:
Cardiovascular phenotype. Identifiers: MedGen CN230736.
Hereditary cancer-predisposing syndrome. Also called: Hereditary neoplastic syndrome; Tumor predisposition; Neoplastic Syndromes, Hereditary; Hereditary Cancer Syndrome. Identifiers: Orphanet 140162, MedGen C0027672, MeSH D009386, MONDO:0015356.
Neurofibromatosis, type 1 (NF1). Also called: Neurofibromatosis, type I; VON RECKLINGHAUSEN DISEASE; NEUROFIBROMATOSIS, TYPE I, SOMATIC; Peripheral type neurofibromatosis. Identifiers: Orphanet 636, MedGen C0027831, MONDO:0018975, OMIM 162200. Disease mechanism: loss of function.

Submissions (2):

Ambry Genetics
Classification: Uncertain significance for Cardiovascular phenotype; Hereditary cancer-predisposing syndrome. Last evaluated: 2022-06-13. Review status: criteria provided, single submitter. Criteria: Ambry Variant Classification Scheme 2023. Collection method: clinical testing. Allele origin: germline.
Comment: The p.M1285L variant (also known as c.3853A>C), located in coding exon 28 of the NF1 gene, results from an A to C substitution at nucleotide position 3853. The methionine at codon 1285 is replaced by leucine, an amino acid with highly similar properties. This amino acid position is conserved. In addition, this alteration is predicted to be deleterious by in silico analysis. Since supporting evidence is limited at this time, the clinical significance of this alteration remains unclear.

Labcorp Genetics (formerly Invitae), Labcorp
Classification: Uncertain significance for Neurofibromatosis, type 1. Last evaluated: 2020-12-23. Review status: criteria provided, single submitter. Criteria: Invitae Variant Classification Sherloc (09022015). Collection method: clinical testing. Allele origin: germline.
Comment: This variant is not present in population databases (ExAC no frequency). This sequence change replaces methionine with leucine at codon 1285 of the NF1 protein (p.Met1285Leu). The methionine residue is moderately conserved and there is a small physicochemical difference between methionine and leucine. In summary, the available evidence is currently insufficient to determine the role of this variant in disease. Therefore, it has been classified as a Variant of Uncertain Significance. Algorithms developed to predict the effect of missense changes on protein structure and function (SIFT, PolyPhen-2, Align-GVGD) all suggest that this variant is likely to be tolerated, but these predictions have not been confirmed by published functional studies and their clinical significance is uncertain. This variant has not been reported in the literature in individuals with NF1-related conditions.